The following is an entry in ClinVar:

NM_005529.7(HSPG2):c.8758G>T (p.Ala2920Ser)

Gene: HSPG2 (heparan sulfate proteoglycan 2; minus strand). Cytogenetic location: 1p36.12.
Variant type: single nucleotide variant.
Coding change: c.8758G>T on transcript NM_005529.7 (MANE Select); coding-DNA position 8758, G replaced by T.
Protein change: p.Ala2920Ser; replaces alanine 2920 with serine.
Molecular consequence: missense variant.
Genome position (GRCh38, 1-based): chr1:21,843,297, C>A on the plus strand (G>T on the coding strand, the complement: HSPG2 is on the minus strand). VCF-style: chr1-21843297-C-A. GRCh37 (hg19) VCF-style: chr1-22169790-C-A.
Other names: c.8761G>T, p.Ala2921Ser (NM_001291860.2); short protein forms A2920S, A2921S.
Identifiers: ClinVar variation 3898390 (VCV003898390.7).
Genomic context (GRCh38, chr1:21,843,297, plus strand): 5'-GAGCTGGGAAGGAGCCCCGCGCCTGTGCTCTGGCATCGCCCACTGCTCCCTATCACTCAC[C>A]AGGAATGGGTCCTGGGCTGGAGGGCTCAATTGTGACCAGGACAGATGCCTCCAGGGTGCC-3'
Protein context (NP_005520.4, residues 2910-2930): IEPSSPGPIP[Ala2920Ser]PGLAQPIYIE

ClinVar aggregate classification (germline): Uncertain significance (1 of 4 stars; one submission).

gnomAD v4.1: 8 of 1,614,000 alleles (0.0005%); highest among the groups gnomAD compares: East Asian, 0.0067%; no homozygotes.

Submission:

CeGaT Center for Human Genetics Tuebingen
Classification: Uncertain significance. Last evaluated: 2025-04-01. Review status: criteria provided, single submitter. Criteria: CeGaT Center For Human Genetics Tuebingen Variant Classification Criteria Version 2. Collection method: clinical testing. Allele origin: germline. Affected: yes. Observed: 1 variant allele.
Comment: HSPG2: PM2, BP4